The following is an entry in ClinVar:

ClinVar aggregate classification (germline): Benign. Review status: criteria provided, multiple submitters, no conflicts (2 of 4 stars). 7 submissions from 7 submitters: Benign (7). Last evaluated 2026-05-11.

Conditions:
Connective tissue disorder. Also called: Connective tissue disease. Identifiers: MedGen C0009782, MONDO:0003900.

Allele frequency attached by ClinVar (database versions not stated): ESP Exome Variant Server 0.00085; gnomAD exomes 0.00337 and 0.01250; 1000 Genomes Project 30x 0.02108; TOPMed 0.00763; ExAC 0.01014; 1000 Genomes Project 0.02276; gnomAD 0.00493 and 0.00588.
gnomAD v4.1: 6,082 of 1,614,140 alleles (0.38%); highest among the groups gnomAD compares: East Asian, 5.6%; 189 homozygotes.

Submissions (7):

Women's Health and Genetics/Laboratory Corporation of America, LabCorp
Classification: Benign. Last evaluated: 2026-05-11. Review status: criteria provided, single submitter. Criteria: LabCorp Variant Classification Summary - May 2015. Collection method: clinical testing. Allele origin: germline.

Labcorp Genetics (formerly Invitae), Labcorp
Classification: Benign. Last evaluated: 2026-02-01. Review status: criteria provided, single submitter. Criteria: Invitae Variant Classification Sherloc (09022015). Collection method: clinical testing. Allele origin: germline.

Mayo Clinic Laboratories, Mayo Clinic
Classification: Benign. Last evaluated: 2022-04-17. Review status: criteria provided, single submitter. Criteria: ACMG Guidelines, 2015. Collection method: clinical testing. Allele origin: germline. Observed: 3 variant alleles.

Genome Diagnostics Laboratory, The Hospital for Sick Children
Classification: Benign for Connective tissue disorder. Last evaluated: 2021-11-27. Review status: criteria provided, single submitter. Criteria: ACMG Guidelines, 2015. Collection method: clinical testing. Allele origin: germline.

GeneDx
Classification: Benign. Last evaluated: 2016-12-20. Review status: criteria provided, single submitter. Criteria: GeneDx Variant Classification (06012015). Collection method: clinical testing. Allele origin: germline. Affected: yes.
Comment: This variant is considered likely benign or benign based on one or more of the following criteria: it is a conservative change, it occurs at a poorly conserved position in the protein, it is predicted to be benign by multiple in silico algorithms, and/or has population frequency not consistent with disease.

Eurofins Ntd Llc (ga)
Classification: Benign. Last evaluated: 2014-06-10. Review status: criteria provided, single submitter. Criteria: EGL Classification Definitions 2015. Collection method: clinical testing. Allele origin: germline. Observed: 2 variant alleles, 2 heterozygotes.

PreventionGenetics, part of Exact Sciences
Classification: Benign. Review status: criteria provided, single submitter. Criteria: ACMG Guidelines, 2015. Collection method: clinical testing. Allele origin: germline.

NM_001851.6(COL9A1):c.1656T>C (p.Pro552=)

Gene: COL9A1 (collagen type IX alpha 1 chain; minus strand). Cytogenetic location: 6q13.
Variant type: single nucleotide variant.
Coding change: c.1656T>C on transcript NM_001851.6 (MANE Select); coding-DNA position 1656, T replaced by C.
Protein change: p.Pro552=; no amino-acid change (proline 552 retained).
Molecular consequence: synonymous variant. On other transcripts: non-coding transcript variant (1).
Genome position (GRCh38, 1-based): chr6:70,254,972, A>G on the plus strand (T>C on the coding strand, the complement: COL9A1 is on the minus strand). VCF-style: chr6-70254972-A-G. GRCh37 (hg19) VCF-style: chr6-70964675-A-G.
Other names: p.Pro552=; c.1656T>C (NM_001851.5); c.927T>C, p.Pro309= (NM_001377289.1, NM_001377290.1, NM_078485.4).
Identifiers: ClinVar variation 195813 (VCV000195813.19), dbSNP rs80251646, ClinGen allele CA201948.